The following is an entry in ClinVar:

ClinVar aggregate classification (germline): Pathogenic (1 of 4 stars; one submission).

Conditions:
Familial steroid-resistant nephrotic syndrome with sensorineural deafness. Identifiers: Orphanet 280406, MedGen C3553349, MONDO:0013836, OMIM 614650.

Submission:

Juno Genomics, Hangzhou Juno Genomics, Inc
Classification: Pathogenic for Familial steroid-resistant nephrotic syndrome with sensorineural deafness. Review status: criteria provided, single submitter. Criteria: ACMG Guidelines, 2015. Collection method: clinical testing. Allele origin: germline.
Comment: Absent from controls (or at extremely low frequency if recessive) in Genome Aggregation Database.;Null variant in a gene where loss of function (LOF) is a known mechanism of disease.;For recessive disorders, detected in trans with a pathogenic variant.;Co-segregation with disease in multiple affected family members.

NM_182476.3(COQ6):c.249C>G (p.Tyr83Ter)

Gene: COQ6 (coenzyme Q6, monooxygenase; plus strand). Cytogenetic location: 14q24.3.
Variant type: single nucleotide variant.
Coding change: c.249C>G on transcript NM_182476.3 (MANE Select); coding-DNA position 249, C replaced by G.
Protein change: p.Tyr83Ter; replaces tyrosine 83 with a stop codon.
Molecular consequence: nonsense. On other transcripts: missense variant (4), 5 prime UTR variant (3).
Genome position (GRCh38, 1-based): chr14:73,953,520, C>G. VCF-style: chr14-73953520-C-G. GRCh37 (hg19) VCF-style: chr14-74420223-C-G.
Other names: c.249C>G, p.Tyr83Ter (NM_001425255.1, NM_001425256.1, NM_001425262.1); c.143C>G, p.Thr48Arg (NM_001425257.1); c.174C>G, p.Tyr58Ter (NM_001425258.1, NM_182480.3); c.83C>G, p.Thr28Arg (NM_001425259.1, NM_001425260.1, NM_001425261.1); c.-79C>G (NM_001425263.1); c.-102C>G (NM_001425264.1); c.-161C>G (NM_001425265.1); short protein forms T28R, Y58*, Y83*, T48R.
Identifiers: ClinVar variation 5005340 (VCV005005340.2).